The following is an entry in ClinVar:

ClinVar aggregate classification (germline): Uncertain significance (1 of 4 stars; one submission).

Submission:

Labcorp Genetics (formerly Invitae), Labcorp
Classification: Uncertain significance. Last evaluated: 2022-07-19. Review status: criteria provided, single submitter. Criteria: Invitae Variant Classification Sherloc (09022015). Collection method: clinical testing. Allele origin: germline.
Comment: In summary, the available evidence is currently insufficient to determine the role of this variant in disease. Therefore, it has been classified as a Variant of Uncertain Significance. Algorithms developed to predict the effect of missense changes on protein structure and function (SIFT, PolyPhen-2, Align-GVGD) all suggest that this variant is likely to be disruptive. ClinVar contains an entry for this variant (Variation ID: 1024130). This variant has not been reported in the literature in individuals affected with CACNA1F-related conditions. This variant is not present in population databases (gnomAD no frequency). This sequence change replaces cysteine, which is neutral and slightly polar, with tyrosine, which is neutral and polar, at codon 292 of the CACNA1F protein (p.Cys292Tyr).

NM_001256789.3(CACNA1F):c.875G>A (p.Cys292Tyr)

Gene: CACNA1F (calcium voltage-gated channel subunit alpha1 F; minus strand). Cytogenetic location: Xp11.23.
Variant type: single nucleotide variant.
Coding change: c.875G>A on transcript NM_001256789.3 (MANE Select); coding-DNA position 875, G replaced by A.
Protein change: p.Cys292Tyr; replaces cysteine 292 with tyrosine.
Molecular consequence: missense variant.
Genome position (GRCh38, 1-based): chrX:49,228,390, C>T on the plus strand (G>A on the coding strand, the complement: CACNA1F is on the minus strand). VCF-style: chrX-49228390-C-T. GRCh37 (hg19) VCF-style: chrX-49084852-C-T.
Other names: c.680G>A, p.Cys227Tyr (NM_001256790.3); c.875G>A, p.Cys292Tyr (NM_005183.4); short protein forms C227Y, C292Y.
Identifiers: ClinVar variation 1024130 (VCV001024130.10), dbSNP rs2065845370, ClinGen allele CA412923193.